The following is an entry in ClinVar:

NM_015021.3(ZNF292):c.6266_6269del (p.Lys2089fs)

Gene: ZNF292 (zinc finger protein 292; plus strand). Cytogenetic location: 6q14.3.
Variant type: Deletion.
Coding change: c.6266_6269del on transcript NM_015021.3 (MANE Select); coding-DNA positions 6266 to 6269, 4 bases deleted (AGGA; older notation c.6266_6269delAGGA).
Protein change: p.Lys2089fs; shifts the reading frame from lysine 2089.
Molecular consequence: frameshift variant.
Genome position (GRCh38, 1-based): chr6:87,259,895-87,259,898, AGGA deleted; deleting any 4 consecutive bases within chr6:87,259,894-87,259,898 gives the same sequence; the c. name uses the placement nearest the transcript's 3' end. VCF-style (leftmost placement, unchanged base first): chr6-87259893-AAAGG-A. GRCh37 (hg19) VCF-style: chr6-87969611-AAAGG-A.
Other names: c.5846_5849del, p.Lys1949fs (NM_001351444.2); short protein forms K1949fs, K2089fs.
Identifiers: ClinVar variation 1698954 (VCV001698954.3), dbSNP rs2127872112, ClinGen allele CA2573131749.

ClinVar aggregate classification (germline): Pathogenic (1 of 4 stars; one submission).

Conditions:
Intellectual developmental disorder, autosomal dominant 64. Also called: MENTAL RETARDATION, AUTOSOMAL DOMINANT 64. Identifiers: MedGen C5543067, MONDO:0030934, OMIM 619188.

Submission:

Victorian Clinical Genetics Services, Murdoch Childrens Research Institute
Classification: Pathogenic for Intellectual developmental disorder, autosomal dominant 64. Last evaluated: 2022-02-02. Review status: criteria provided, single submitter. Criteria: ACMG Guidelines, 2015. Collection method: clinical testing. Allele origin: germline. Inheritance: Autosomal dominant inheritance.
Comment: Based on the classification scheme VCGS_Germline_v1.3.4, this variant is classified as Pathogenic. Following criteria are met: 0102 - Loss of function is a known mechanism of disease in this gene and is associated with ZNF292-related neurodevelopmental disorder (MIM#619188). However, the mechanism of disease associated with missense variants is currently unclear due to limited evidence (PMID: 31723249). (I) 0107 - This gene is associated with autosomal dominant disease. (I) 0205 - Variant is predicted to result in a truncated protein (premature termination codon is NOT located at least 54 nucleotides upstream of the final exon-exon junction) with less than 1/3 of the protein sequence affected. (SP) 0251 - This variant is heterozygous. (I) 0301 - Variant is absent from gnomAD (both v2 and v3). (SP) 0604 - Variant is not located in an established domain, motif, hotspot or informative constraint region. However, it should be noted that the variant is predicted to remove several downstream zinc finger motifs (UniProt). (I) 0701 - Other protein-truncating variants (PTVs) comparable to the one identified in this case have very strong previous evidence for pathogenicity. There are at least four downstream de novo PTVs that have been reported in individuals with intellectual disability, and in an individual with cardiac defects and unknown neurodevelopmental features (PMID: 31723249). It should also be noted that several other comparable PTVs were considered by the authors to have limited pathogenicity due to incomplete parental testing or unclear association with disease. (SP) 0803 - This variant has limited previous evidence of pathogenicity in an unrelated individuals. This variant has been identified in one individual with global developmental delay and abnormality of the outer ear and classified as likely pathogenic (DECIPHER). (SP) 0905 - No published segregation evidence has been identified for this variant. (I) 1007 - No published functional evidence has been identified for this variant. (SP) Legend: (SP) - Supporting pathogenic, (I) - Information, (SB) - Supporting benign

Literature cited by the submitters: PubMed 31723249.